The following is an entry in ClinVar:

NM_032043.3(BRIP1):c.3392A>G (p.Tyr1131Cys)

Gene: BRIP1 (BRCA1 interacting DNA helicase 1; minus strand). Cytogenetic location: 17q23.2.
Variant type: single nucleotide variant.
Coding change: c.3392A>G on transcript NM_032043.3 (MANE Select); coding-DNA position 3392, A replaced by G.
Protein change: p.Tyr1131Cys; replaces tyrosine 1131 with cysteine.
Molecular consequence: missense variant.
Genome position (GRCh38, 1-based): chr17:61,683,654, T>C on the plus strand (A>G on the coding strand, the complement: BRIP1 is on the minus strand). VCF-style: chr17-61683654-T-C. GRCh37 (hg19) VCF-style: chr17-59761015-T-C.
Other names: short protein forms Y1131C.
Identifiers: ClinVar variation 1362150 (VCV001362150.12), dbSNP rs1567728145, ClinGen allele CA400478829.
Genomic context (GRCh38, chr17:61,683,654, plus strand): 5'-TCAGCTAGGTCATTTTTTTCTTCATCTGTATCTTCAGGATCATAAAGTTCAGGTGTAAAA[T>C]AGATAGATTCATCTTCTGCTTCTGTTTCAAAATCTCTATTTGAAGTGGACTGTTTATCTT-3'
Protein context (NP_114432.2, residues 1121-1141): FETEAEDESI[Tyr1131Cys]FTPELYDPED

ClinVar aggregate classification (germline): Uncertain significance. Review status: criteria provided, multiple submitters, no conflicts (2 of 4 stars). 2 submissions from 2 submitters: Uncertain significance (2). Last evaluated 2025-06-18.

Conditions:
Hereditary cancer-predisposing syndrome. Also called: Hereditary Cancer Syndrome; Hereditary neoplastic syndrome; Tumor predisposition; Neoplastic Syndromes, Hereditary. Identifiers: Orphanet 140162, MedGen C0027672, MeSH D009386, MONDO:0015356.
Familial cancer of breast. Also called: BREAST CANCER, FAMILIAL; hereditary breast carcinoma; Hereditary breast cancer. Identifiers: Orphanet 227535, MedGen C0346153, MONDO:0016419, OMIM 114480. Disease mechanism: loss of function.
Fanconi anemia complementation group J. Also called: BRIP1-Related Fanconi Anemia. Identifiers: Orphanet 84, MedGen C1836860, MONDO:0012187, OMIM 609054.

Allele frequency attached by ClinVar (database versions not stated): gnomAD exomes below 0.00001.
gnomAD v4.1: 1 of 1,613,188 alleles (0.000062%); highest among the groups gnomAD compares: East Asian, 0.0022%; no homozygotes.

Submissions (2):

Labcorp Genetics (formerly Invitae), Labcorp
Classification: Uncertain significance for Familial cancer of breast; Fanconi anemia complementation group J. Last evaluated: 2025-06-18. Review status: criteria provided, single submitter. Criteria: Invitae Variant Classification Sherloc (09022015). Collection method: clinical testing. Allele origin: germline.
Comment: This sequence change replaces tyrosine, which is neutral and polar, with cysteine, which is neutral and slightly polar, at codon 1131 of the BRIP1 protein (p.Tyr1131Cys). This variant is not present in population databases (gnomAD no frequency). This variant has not been reported in the literature in individuals affected with BRIP1-related conditions. ClinVar contains an entry for this variant (Variation ID: 1362150). Invitae Evidence Modeling of protein sequence and biophysical properties (such as structural, functional, and spatial information, amino acid conservation, physicochemical variation, residue mobility, and thermodynamic stability) indicates that this missense variant is not expected to disrupt BRIP1 protein function with a negative predictive value of 95%. In summary, the available evidence is currently insufficient to determine the role of this variant in disease. Therefore, it has been classified as a Variant of Uncertain Significance.

Ambry Genetics
Classification: Uncertain significance for Hereditary cancer-predisposing syndrome. Last evaluated: 2024-07-15. Review status: criteria provided, single submitter. Criteria: Ambry Variant Classification Scheme 2023. Collection method: clinical testing. Allele origin: germline.
Comment: The p.Y1131C variant (also known as c.3392A>G), located in coding exon 19 of the BRIP1 gene, results from an A to G substitution at nucleotide position 3392. The tyrosine at codon 1131 is replaced by cysteine, an amino acid with highly dissimilar properties. This amino acid position is conserved. In addition, this alteration is predicted to be tolerated by in silico analysis. Since supporting evidence is limited at this time, the clinical significance of this alteration remains unclear.